The following is an entry in ClinVar:

ClinVar aggregate classification (germline): Uncertain significance (1 of 4 stars; one submission).

Conditions:
Norman-Roberts syndrome (LIS2). Also called: Lissencephaly 2 (Norman-Roberts type). Identifiers: Orphanet 89844, MedGen C0796089, MONDO:0009760, OMIM 257320.
Familial temporal lobe epilepsy 7. Identifiers: Orphanet 101046, MedGen C4225327, MONDO:0014639, OMIM 616436.

Allele frequency attached by ClinVar (database versions not stated): gnomAD exomes below 0.00001; gnomAD 0.00001; TOPMed 0.00001.
gnomAD v4.1: 3 of 1,612,222 alleles (0.00019%); highest among the groups gnomAD compares: Non-Finnish European, 0.00025%; no homozygotes.

Submission:

Labcorp Genetics (formerly Invitae), Labcorp
Classification: Uncertain significance for Familial temporal lobe epilepsy 7; Norman-Roberts syndrome. Last evaluated: 2023-08-24. Review status: criteria provided, single submitter. Criteria: Invitae Variant Classification Sherloc (09022015). Collection method: clinical testing. Allele origin: germline.
Comment: In summary, the available evidence is currently insufficient to determine the role of this variant in disease. Therefore, it has been classified as a Variant of Uncertain Significance. Advanced modeling of protein sequence and biophysical properties (such as structural, functional, and spatial information, amino acid conservation, physicochemical variation, residue mobility, and thermodynamic stability) performed at Invitae indicates that this missense variant is not expected to disrupt RELN protein function. ClinVar contains an entry for this variant (Variation ID: 1478721). This variant has not been reported in the literature in individuals affected with RELN-related conditions. This variant is not present in population databases (gnomAD no frequency). This sequence change replaces asparagine, which is neutral and polar, with aspartic acid, which is acidic and polar, at codon 587 of the RELN protein (p.Asn587Asp).

NM_005045.4(RELN):c.1759A>G (p.Asn587Asp)

Gene: RELN (reelin; minus strand). Cytogenetic location: 7q22.1.
Variant type: single nucleotide variant.
Coding change: c.1759A>G on transcript NM_005045.4 (MANE Select); coding-DNA position 1759, A replaced by G.
Protein change: p.Asn587Asp; replaces asparagine 587 with aspartic acid.
Molecular consequence: missense variant.
Genome position (GRCh38, 1-based): chr7:103,652,555, T>C on the plus strand (A>G on the coding strand, the complement: RELN is on the minus strand). VCF-style: chr7-103652555-T-C. GRCh37 (hg19) VCF-style: chr7-103293002-T-C.
Other names: c.1759A>G, p.Asn587Asp (NM_173054.3); short protein forms N587D.
Identifiers: ClinVar variation 1478721 (VCV001478721.6), dbSNP rs1051169273, ClinGen allele CA163940964.